The following is an entry in ClinVar:

NM_001378454.1(ALMS1):c.11849A>G (p.Lys3950Arg)

Gene: ALMS1 (ALMS1 centrosome and basal body associated protein; plus strand). Cytogenetic location: 2p13.1.
Variant type: single nucleotide variant.
Coding change: c.11849A>G on transcript NM_001378454.1 (MANE Select); coding-DNA position 11849, A replaced by G.
Protein change: p.Lys3950Arg; replaces lysine 3950 with arginine.
Molecular consequence: missense variant.
Genome position (GRCh38, 1-based): chr2:73,600,858, A>G. VCF-style: chr2-73600858-A-G. GRCh37 (hg19) VCF-style: chr2-73827985-A-G.
Other names: c.11852A>G, p.Lys3951Arg (NM_015120.4); short protein forms K3951R, K3950R.
Identifiers: ClinVar variation 1743079 (VCV001743079.2), dbSNP rs2104194109, ClinGen allele CA347265049.

ClinVar aggregate classification (germline): Uncertain significance (1 of 4 stars; one submission).

Conditions:
Cardiovascular phenotype. Identifiers: MedGen CN230736.

Submission:

Ambry Genetics
Classification: Uncertain significance for Cardiovascular phenotype. Last evaluated: 2021-06-09. Review status: criteria provided, single submitter. Criteria: Ambry Variant Classification Scheme 2023. Collection method: clinical testing. Allele origin: germline.
Comment: The p.K3951R variant (also known as c.11852A>G), located in coding exon 18 of the ALMS1 gene, results from an A to G substitution at nucleotide position 11852. The lysine at codon 3951 is replaced by arginine, an amino acid with highly similar properties. This amino acid position is well conserved in available vertebrate species; however, arginine is the reference amino acid in other vertebrate species. In addition, this alteration is predicted to be tolerated by in silico analysis. Since supporting evidence is limited at this time, the clinical significance of this alteration remains unclear.